The following is an entry in ClinVar:

ClinVar aggregate classification (germline): Uncertain significance (1 of 4 stars; one submission).

Conditions:
Pierpont syndrome (PRPTS). Identifiers: Orphanet 487825, MedGen C1865644, MONDO:0011213, OMIM 602342.

Allele frequency attached by ClinVar (database versions not stated): TOPMed below 0.00001.
gnomAD v4.1: 4 of 1,602,540 alleles (0.00025%); highest among the groups gnomAD compares: Non-Finnish European, 0.00034%; no homozygotes.

Submission:

Labcorp Genetics (formerly Invitae), Labcorp
Classification: Uncertain significance for Pierpont syndrome. Last evaluated: 2025-07-18. Review status: criteria provided, single submitter. Criteria: Invitae Variant Classification Sherloc (09022015). Collection method: clinical testing. Allele origin: germline.
Comment: This sequence change falls in intron 13 of the TBL1XR1 gene. It does not directly change the encoded amino acid sequence of the TBL1XR1 protein. It affects a nucleotide within the consensus splice site. This variant is not present in population databases (gnomAD no frequency). This variant has not been reported in the literature in individuals affected with TBL1XR1-related conditions. ClinVar contains an entry for this variant (Variation ID: 2911978). Variants that disrupt the consensus splice site are a relatively common cause of aberrant splicing (PMID: 17576681, 9536098). Algorithms developed to predict the effect of sequence changes on RNA splicing suggest that this variant is not likely to affect RNA splicing. In summary, the available evidence is currently insufficient to determine the role of this variant in disease. Therefore, it has been classified as a Variant of Uncertain Significance.

Literature cited by the submitters: PubMed 17576681; PubMed 9536098.

NM_024665.7(TBL1XR1):c.1250+6A>T

Gene: TBL1XR1 (TBL1X/Y related 1; minus strand). Cytogenetic location: 3q26.32.
Variant type: single nucleotide variant.
Coding change: c.1250+6A>T on transcript NM_024665.7 (MANE Select); 6 bases into the intron after coding-DNA position 1250, A replaced by T.
Molecular consequence: intron variant.
Genome position (GRCh38, 1-based): chr3:177,034,192, T>A on the plus strand (A>T on the coding strand, the complement: TBL1XR1 is on the minus strand). VCF-style: chr3-177034192-T-A. GRCh37 (hg19) VCF-style: chr3-176751980-T-A.
Other names: c.1250+6A>T (NM_001374327.1, NM_001321194.3, NM_001321193.3 and 2 more transcripts); c.989+6A>T (NM_001374330.1, NM_001321195.3).
Identifiers: ClinVar variation 2911978 (VCV002911978.3), dbSNP rs1714433035, ClinGen allele CA1422661062.